The following is an entry in ClinVar:

NM_007194.4(CHEK2):c.710C>A (p.Ala237Asp)

Gene: CHEK2 (checkpoint kinase 2; minus strand). Cytogenetic location: 22q12.1.
Variant type: single nucleotide variant.
Coding change: c.710C>A on transcript NM_007194.4 (MANE Select); coding-DNA position 710, C replaced by A.
Protein change: p.Ala237Asp; replaces alanine 237 with aspartic acid.
Molecular consequence: missense variant.
Genome position (GRCh38, 1-based): chr22:28,711,991, G>T on the plus strand (C>A on the coding strand, the complement: CHEK2 is on the minus strand). VCF-style: chr22-28711991-G-T. GRCh37 (hg19) VCF-style: chr22-29107979-G-T.
Other names: c.839C>A, p.Ala280Asp (NM_001005735.3); c.47C>A, p.Ala16Asp (NM_001257387.3); c.509C>A, p.Ala170Asp (NM_001349956.3); c.710C>A, p.Ala237Asp (NM_145862.3); short protein forms A237D, A16D, A280D, A170D.
Identifiers: ClinVar variation 491633 (VCV000491633.20), dbSNP rs878854921, ClinGen allele CA411103414.
Genomic context (GRCh38, chr22:28,711,991, plus strand): 5'-GCAAACTTCCTTTTGCTGATGATCTTTATGGCTACTTTCTTACATGTTTTCCTCTCGAAA[G>T]CCAGCTTTACCTCTCCACAGGCACCACTAGAGGGAAAAACAAAGATAGTGATTGTCTGAA-3'
Protein context (NP_009125.1, residues 227-247): GSGACGEVKL[Ala237Asp]FERKTCKKVA

ClinVar aggregate classification (germline): Uncertain significance. Review status: criteria provided, multiple submitters, no conflicts (2 of 4 stars). 4 submissions from 4 submitters: Uncertain significance (4). Last evaluated 2025-08-04.

Conditions:
Hereditary cancer-predisposing syndrome. Also called: Hereditary neoplastic syndrome; Tumor predisposition; Hereditary Cancer Syndrome; Neoplastic Syndromes, Hereditary. Identifiers: Orphanet 140162, MedGen C0027672, MeSH D009386, MONDO:0015356.
Familial cancer of breast. Also called: Hereditary breast cancer; hereditary breast carcinoma; BREAST CANCER, FAMILIAL. Identifiers: Orphanet 227535, MedGen C0346153, MONDO:0016419, OMIM 114480. Disease mechanism: loss of function.

Submissions (4):

Labcorp Genetics (formerly Invitae), Labcorp
Classification: Uncertain significance for Familial cancer of breast. Last evaluated: 2025-08-04. Review status: criteria provided, single submitter. Criteria: Invitae Variant Classification Sherloc (09022015). Collection method: clinical testing. Allele origin: germline.
Comment: This sequence change replaces alanine, which is neutral and non-polar, with aspartic acid, which is acidic and polar, at codon 237 of the CHEK2 protein (p.Ala237Asp). This variant is not present in population databases (gnomAD no frequency). This variant has not been reported in the literature in individuals affected with CHEK2-related conditions. ClinVar contains an entry for this variant (Variation ID: 491633). An algorithm developed to predict the effect of missense changes on protein structure and function (PolyPhen-2) suggests that this variant is likely to be disruptive. In summary, the available evidence is currently insufficient to determine the role of this variant in disease. Therefore, it has been classified as a Variant of Uncertain Significance.

Ambry Genetics
Classification: Uncertain significance for Hereditary cancer-predisposing syndrome. Last evaluated: 2024-12-19. Review status: criteria provided, single submitter. Criteria: Ambry Variant Classification Scheme 2023. Collection method: clinical testing. Allele origin: germline.
Comment: The p.A237D variant (also known as c.710C>A), located in coding exon 5 of the CHEK2 gene, results from a C to A substitution at nucleotide position 710. The alanine at codon 237 is replaced by aspartic acid, an amino acid with dissimilar properties. This amino acid position is highly conserved in available vertebrate species. In addition, this alteration is predicted to be deleterious by in silico analysis. Since supporting evidence is limited at this time, the clinical significance of this alteration remains unclear.

Quest Diagnostics Nichols Institute San Juan Capistrano
Classification: Uncertain significance. Last evaluated: 2023-07-04. Review status: criteria provided, single submitter. Criteria: Quest Diagnostics criteria. Collection method: clinical testing. Allele origin: unknown.
Comment: This variant has not been reported in the published literature. It also has not been reported in large, multi-ethnic general populations (Genome Aggregation Database). Analysis of this variant using bioinformatics tools for the prediction of the effect of amino acid changes on protein structure and function yielded predictions that this variant is damaging. Based on the available information, we are unable to determine the clinical significance of this variant.

Color Diagnostics, LLC DBA Color Health
Classification: Uncertain significance for Hereditary cancer-predisposing syndrome. Last evaluated: 2018-08-27. Review status: criteria provided, single submitter. Criteria: ACMG Guidelines, 2015. Collection method: clinical testing. Allele origin: germline.